The following is an entry in ClinVar:

NM_001286577.2(C2CD3):c.2636T>A (p.Met879Lys)

Gene: C2CD3 (C2 domain containing 3 centriole elongation regulator; minus strand). Cytogenetic location: 11q13.4.
Variant type: single nucleotide variant.
Coding change: c.2636T>A on transcript NM_001286577.2 (MANE Select); coding-DNA position 2636, T replaced by A.
Protein change: p.Met879Lys; replaces methionine 879 with lysine.
Molecular consequence: missense variant.
Genome position (GRCh38, 1-based): chr11:74,100,621, A>T on the plus strand (T>A on the coding strand, the complement: C2CD3 is on the minus strand). VCF-style: chr11-74100621-A-T. GRCh37 (hg19) VCF-style: chr11-73811666-A-T.
Other names: c.2636T>A, p.Met879Lys (NM_015531.6); short protein forms M879K.
Identifiers: ClinVar variation 1354144 (VCV001354144.5), dbSNP rs765863409, ClinGen allele CA6182604.

ClinVar aggregate classification (germline): Uncertain significance. Review status: criteria provided, multiple submitters, no conflicts (2 of 4 stars). 2 submissions from 2 submitters: Uncertain significance (2). Last evaluated 2021-11-11.

Allele frequency attached by ClinVar (database versions not stated): gnomAD 0.00001 and 0.00002; TOPMed 0.00002.
gnomAD v4.1: 43 of 1,613,924 alleles (0.0027%); highest among the groups gnomAD compares: Non-Finnish European, 0.0034%; no homozygotes.

Submissions (2):

Labcorp Genetics (formerly Invitae), Labcorp
Classification: Uncertain significance. Last evaluated: 2021-11-11. Review status: criteria provided, single submitter. Criteria: Invitae Variant Classification Sherloc (09022015). Collection method: clinical testing. Allele origin: germline.
Comment: This sequence change replaces methionine, which is neutral and non-polar, with lysine, which is basic and polar, at codon 879 of the C2CD3 protein (p.Met879Lys). This variant is present in population databases (rs765863409, gnomAD 0.004%). This variant has not been reported in the literature in individuals affected with C2CD3-related conditions. Algorithms developed to predict the effect of missense changes on protein structure and function (SIFT, PolyPhen-2, Align-GVGD) all suggest that this variant is likely to be disruptive. In summary, the available evidence is currently insufficient to determine the role of this variant in disease. Therefore, it has been classified as a Variant of Uncertain Significance.

Breakthrough Genomics
Classification: Uncertain significance. Review status: criteria provided, single submitter. Criteria: ACMG Guidelines, 2015. Collection method: not provided. Allele origin: germline. Inheritance: Autosomal recessive inheritance. Affected: yes.